The following is an entry in ClinVar:

NM_020937.4(FANCM):c.4763T>C (p.Ile1588Thr)

Gene: FANCM (FA complementation group M; plus strand). Cytogenetic location: 14q21.2.
Variant type: single nucleotide variant.
Coding change: c.4763T>C on transcript NM_020937.4 (MANE Select); coding-DNA position 4763, T replaced by C.
Protein change: p.Ile1588Thr; replaces isoleucine 1588 with threonine.
Molecular consequence: missense variant.
Genome position (GRCh38, 1-based): chr14:45,187,871, T>C. VCF-style: chr14-45187871-T-C. GRCh37 (hg19) VCF-style: chr14-45657074-T-C.
Other names: c.4685T>C, p.Ile1562Thr (NM_001308133.2); short protein forms I1562T, I1588T.
Identifiers: ClinVar variation 1056931 (VCV001056931.9), dbSNP rs2139292209, ClinGen allele CA389610323.
Genomic context (GRCh38, chr14:45,187,871, plus strand): 5'-CTTTGCGTAGTCCAATGATGAACAATAAGTACAAAATGATTCATAAGACACATAAAAACA[T>C]AAACATTTTCTCGCAGGTATGAACTATAGAAATATAATGGAGAATTTCTGGATGATGATG-3'
Protein context (NP_065988.1, residues 1578-1598): YKMIHKTHKN[Ile1588Thr]NIFSQIPEQD

ClinVar aggregate classification (germline): Uncertain significance (1 of 4 stars; one submission).

Conditions:
Fanconi anemia (FA). Also called: Fanconi's anemia. Identifiers: Orphanet 84, MedGen C0015625, MeSH D005199, MONDO:0019391.

Submission:

Labcorp Genetics (formerly Invitae), Labcorp
Classification: Uncertain significance for Fanconi anemia. Last evaluated: 2020-07-15. Review status: criteria provided, single submitter. Criteria: Invitae Variant Classification Sherloc (09022015). Collection method: clinical testing. Allele origin: germline.
Comment: In summary, the available evidence is currently insufficient to determine the role of this variant in disease. Therefore, it has been classified as a Variant of Uncertain Significance. Algorithms developed to predict the effect of missense changes on protein structure and function (SIFT, PolyPhen-2, Align-GVGD) all suggest that this variant is likely to be tolerated, but these predictions have not been confirmed by published functional studies and their clinical significance is uncertain. This variant has not been reported in the literature in individuals with FANCM-related conditions. This variant is not present in population databases (ExAC no frequency). This sequence change replaces isoleucine with threonine at codon 1588 of the FANCM protein (p.Ile1588Thr). The isoleucine residue is weakly conserved and there is a moderate physicochemical difference between isoleucine and threonine.